The following is an entry in ClinVar:

GRCh38/hg38 16p13.2-13.13(chr16:9992260-10429970)x3

Genes: ATF7IP2 (activating transcription factor 7 interacting protein 2; plus strand), GRIN2A (glutamate ionotropic receptor NMDA type subunit 2A; minus strand), LOC110121335 (VISTA enhancer hs1242; plus strand), LOC116276445 (CRISPRi-validated cis-regulatory element chr16.1137; plus strand), LOC125146403 (Sharpr-MPRA regulatory region 8841; plus strand) and 11 more. Cytogenetic location: 16p13.2-13.13.
Variant type: copy number gain.
Change: copy number 3 (three copies instead of two) of chr16:9,992,260-10,429,970 (437.7 kb, GRCh38 coordinates, 1-based), cytogenetic band 16p13.2-13.13.
Identifiers: ClinVar variation 151406 (VCV000151406.3).

ClinVar aggregate classification (germline): conflicting data from submitters (0 of 4 stars; one submission).

Submission:

ISCA site 1
Classification: conflicting data from submitters. Last evaluated: 2015-07-06. Review status: no assertion criteria provided. Collection method: clinical testing. Allele origin: paternal, unknown, maternal. Affected: yes. Observed: 3 variant alleles. Clinical features observed: Intellectual disability (HP:0001249), Developmental delay AND/OR other significant developmental or morphological phenotypes, Micrognathia (HP:0000347), Thrombocytopenia (HP:0001873), Leukopenia (HP:0001882), Redundant neck skin (HP:0005989), Abnormality of pyruvate family amino acid metabolism (HP:0010915).
Comment: Uncertain significance(2), Likely benign (1)

Copy number variation identified through the course of routine clinical cytogenomic testing in postnatal populations, with clinical assertions as classified by the original submitter. For data from the original published study, Kaminsky, et al. 2011 (PubMed 21844811), please see nstd101.